The following is an entry in ClinVar:

NM_000742.4(CHRNA2):c.995T>C (p.Leu332Pro)

Gene: CHRNA2 (cholinergic receptor nicotinic alpha 2 subunit; minus strand). Cytogenetic location: 8p21.2.
Variant type: single nucleotide variant.
Coding change: c.995T>C on transcript NM_000742.4 (MANE Select); coding-DNA position 995, T replaced by C.
Protein change: p.Leu332Pro; replaces leucine 332 with proline.
Molecular consequence: missense variant.
Genome position (GRCh38, 1-based): chr8:27,463,448, A>G on the plus strand (T>C on the coding strand, the complement: CHRNA2 is on the minus strand). VCF-style: chr8-27463448-A-G. GRCh37 (hg19) VCF-style: chr8-27320965-A-G.
Other names: c.950T>C, p.Leu317Pro (NM_001282455.2); c.518T>C, p.Leu173Pro (NM_001347705.2, NM_001347706.2); c.401T>C, p.Leu134Pro (NM_001347707.2, NM_001347708.2); short protein forms L173P, L332P, L134P, L317P.
Identifiers: ClinVar variation 3719987 (VCV003719987.2).

ClinVar aggregate classification (germline): Uncertain significance (1 of 4 stars; one submission).

Conditions:
Familial sleep-related hypermotor epilepsy. Also called: Autosomal Dominant Sleep-Related Hypermotor (Hyperkinetic) Epilepsy. Identifiers: Orphanet 98784, MedGen C3696898, MONDO:0000030.

Submission:

Labcorp Genetics (formerly Invitae), Labcorp
Classification: Uncertain significance. Last evaluated: 2024-11-04. Review status: criteria provided, single submitter. Criteria: Invitae Variant Classification Sherloc (09022015). Collection method: clinical testing. Allele origin: germline.
Comment: This sequence change replaces leucine, which is neutral and non-polar, with proline, which is neutral and non-polar, at codon 332 of the CHRNA2 protein (p.Leu332Pro). This variant is not present in population databases (gnomAD no frequency). This variant has not been reported in the literature in individuals affected with CHRNA2-related conditions. Invitae Evidence Modeling of protein sequence and biophysical properties (such as structural, functional, and spatial information, amino acid conservation, physicochemical variation, residue mobility, and thermodynamic stability) indicates that this missense variant is expected to disrupt CHRNA2 protein function with a positive predictive value of 80%. In summary, the available evidence is currently insufficient to determine the role of this variant in disease. Therefore, it has been classified as a Variant of Uncertain Significance.